The following is an entry in ClinVar:

ClinVar aggregate classification (germline): Likely pathogenic (1 of 4 stars; one submission).

Conditions:
Pallister-Hall syndrome (PHS). Also called: HYPOTHALAMIC HAMARTOBLASTOMA, HYPOPITUITARISM, IMPERFORATE ANUS, AND POSTAXIAL POLYDACTYLY; GLI3-Related Pallister-Hall Syndrome. Identifiers: Orphanet 672, MedGen C0265220, MONDO:0007804, OMIM 146510.
Greig cephalopolysyndactyly syndrome (GCPS). Also called: POLYSYNDACTYLY WITH PECULIAR SKULL SHAPE; Greig syndrome; GLI3-Related Greig Cephalopolysyndactyly Syndrome. Identifiers: Orphanet 380, MedGen C0265306, MONDO:0008287, OMIM 175700.

Submission:

Labcorp Genetics (formerly Invitae), Labcorp
Classification: Likely pathogenic for Pallister-Hall syndrome; Greig cephalopolysyndactyly syndrome. Last evaluated: 2022-01-14. Review status: criteria provided, single submitter. Criteria: Invitae Variant Classification Sherloc (09022015). Collection method: clinical testing. Allele origin: germline.
Comment: In summary, the currently available evidence indicates that the variant is pathogenic, but additional data are needed to prove that conclusively. Therefore, this variant has been classified as Likely Pathogenic. Algorithms developed to predict the effect of sequence changes on RNA splicing suggest that this variant may disrupt the consensus splice site. Disruption of this splice site has been observed in individual(s) with GLI3-related conditions (Invitae). This variant is not present in population databases (gnomAD no frequency). This sequence change affects an acceptor splice site in intron 3 of the GLI3 gene. It is expected to disrupt RNA splicing. Variants that disrupt the donor or acceptor splice site typically lead to a loss of protein function (PMID: 16199547), and loss-of-function variants in GLI3 are known to be pathogenic (PMID: 10441570, 15739154, 18000979, 24736735).

Literature cited by the submitters: PubMed 16199547; PubMed 10441570; PubMed 15739154; PubMed 18000979; PubMed 24736735.

NM_000168.6(GLI3):c.368-2A>C

Gene: GLI3 (GLI family zinc finger 3; minus strand). Cytogenetic location: 7p14.1.
Variant type: single nucleotide variant.
Coding change: c.368-2A>C on transcript NM_000168.6 (MANE Select); the canonical splice acceptor site of the intron before coding-DNA position 368, A replaced by C.
Molecular consequence: splice acceptor variant.
Genome position (GRCh38, 1-based): chr7:42,076,859, T>G on the plus strand (A>C on the coding strand, the complement: GLI3 is on the minus strand). VCF-style: chr7-42076859-T-G. GRCh37 (hg19) VCF-style: chr7-42116458-T-G.
Identifiers: ClinVar variation 2082663 (VCV002082663.4), dbSNP rs2484805390, ClinGen allele CA367550154.